The following is an entry in ClinVar:

ClinVar aggregate classification (germline): Uncertain significance (0 of 4 stars; one submission).

Conditions:
ITGA2B-related disorder. Also called: ITGA2B-related condition; ITGA2B-related disorders.

gnomAD v4.1: 21 of 1,614,020 alleles (0.0013%); highest among the groups gnomAD compares: South Asian, 0.021%; no homozygotes.

Submission:

PreventionGenetics, part of Exact Sciences
Classification: Uncertain significance for ITGA2B-related condition. Last evaluated: 2024-03-06. Review status: no assertion criteria provided. Collection method: clinical testing. Allele origin: germline.
Comment: The ITGA2B c.2448G>A variant is not predicted to result in an amino acid change (p.=). This variant is located at the last nucleotide of the exon and is predicted to abolish the splicing donor site. To our knowledge, this variant has not been reported in the literature. This variant is reported in 0.023% of alleles in individuals of South Asian descent in gnomAD. This variant could be pathogenic for autosomal recessive Glanzmann thrombasthenia. At this time, the clinical significance of this variant is uncertain due to the absence of conclusive functional and genetic evidence.

NM_000419.5(ITGA2B):c.2448G>A (p.Glu816=)

Gene: ITGA2B (integrin subunit alpha 2b; minus strand). Cytogenetic location: 17q21.31.
Variant type: single nucleotide variant.
Coding change: c.2448G>A on transcript NM_000419.5 (MANE Select); coding-DNA position 2448, G replaced by A.
Protein change: p.Glu816=; no amino-acid change (glutamic acid 816 retained).
Molecular consequence: synonymous variant.
Genome position (GRCh38, 1-based): chr17:44,376,085, C>T on the plus strand (G>A on the coding strand, the complement: ITGA2B is on the minus strand). VCF-style: chr17-44376085-C-T. GRCh37 (hg19) VCF-style: chr17-42453453-C-T.
Identifiers: ClinVar variation 3350457 (VCV003350457.1).